The following is an entry in ClinVar:

NM_000321.3(RB1):c.2372dup (p.Phe792fs)

Gene: RB1 (RB transcriptional corepressor 1; plus strand). Cytogenetic location: 13q14.2.
Variant type: Duplication.
Coding change: c.2372dup on transcript NM_000321.3 (MANE Select); coding-DNA position 2372, one base duplicated (A; older notation c.2372dupA).
Protein change: p.Phe792fs; shifts the reading frame from phenylalanine 792.
Molecular consequence: frameshift variant.
Genome position (GRCh38, 1-based): chr13:48,465,251, A duplicated; the last of 2 consecutive A bases (chr13:48,465,250-48,465,251); duplicating either gives the same sequence. VCF-style (leftmost placement, unchanged base first): chr13-48465249-C-CA. GRCh37 (hg19) VCF-style: chr13-49039385-C-CA.
Other names: c.2372dup, p.Phe792fs (NM_001407165.1); short protein forms F792fs.
Identifiers: ClinVar variation 4884451 (VCV004884451.1).

ClinVar aggregate classification (germline): Likely pathogenic (1 of 4 stars; one submission).

Conditions:
Retinoblastoma (RB1). Also called: RETINOBLASTOMA, SOMATIC. Identifiers: Orphanet 790, MedGen C0035335, MeSH D012175, MONDO:0008380, OMIM 180200, HP:0009919. Disease mechanism: loss of function. Inheritance: Both sporadic and heritable forms are tested..

Submission:

Diller/Parad Lab, Dana-Farber/Harvard Cancer Center
Classification: Likely pathogenic for Retinoblastoma. Last evaluated: 2026-05-29. Review status: criteria provided, single submitter. Criteria: ACMG Guidelines, 2015. Collection method: research. Allele origin: germline. Affected: yes.
Comment: It has been classified as Likely Pathogenic using Richards et al (PMID:25741868) based on the following evidence codes: PM2, PVS1.